The following is an entry in ClinVar:

ClinVar aggregate classification (germline): Uncertain significance. Review status: criteria provided, multiple submitters, no conflicts (2 of 4 stars). 2 submissions from 2 submitters: Uncertain significance (2). Last evaluated 2026-02-19.

Conditions:
Familial focal epilepsy with variable foci (FPEVF). Identifiers: Orphanet 98820, MedGen C1858477, MONDO:0020310.

Submissions (2):

GeneDx
Classification: Uncertain significance. Last evaluated: 2026-02-19. Review status: criteria provided, single submitter. Criteria: GeneDx Variant Classification Process June 2021. Collection method: clinical testing. Allele origin: germline.
Comment: Not observed at significant frequency in large population cohorts (gnomAD); In silico analysis supports a deleterious effect on splicing; Has not been previously published as pathogenic or benign to our knowledge

Labcorp Genetics (formerly Invitae), Labcorp
Classification: Uncertain significance for Familial focal epilepsy with variable foci. Last evaluated: 2025-04-11. Review status: criteria provided, single submitter. Criteria: Invitae Variant Classification Sherloc (09022015). Collection method: clinical testing. Allele origin: germline.
Comment: This sequence change falls in intron 35 of the DEPDC5 gene. It does not directly change the encoded amino acid sequence of the DEPDC5 protein. This variant is not present in population databases (gnomAD no frequency). This variant has not been reported in the literature in individuals affected with DEPDC5-related conditions. Algorithms developed to predict the effect of sequence changes on RNA splicing suggest that this variant may disrupt the consensus splice site. In summary, the available evidence is currently insufficient to determine the role of this variant in disease. Therefore, it has been classified as a Variant of Uncertain Significance.

NM_001242896.3(DEPDC5):c.3564-9G>A

Gene: DEPDC5 (DEP domain containing 5, GATOR1 subcomplex subunit; plus strand). Cytogenetic location: 22q12.3.
Variant type: single nucleotide variant.
Coding change: c.3564-9G>A on transcript NM_001242896.3 (MANE Select); 9 bases into the intron before coding-DNA position 3564, G replaced by A.
Molecular consequence: intron variant.
Genome position (GRCh38, 1-based): chr22:31,874,264, G>A. VCF-style: chr22-31874264-G-A. GRCh37 (hg19) VCF-style: chr22-32270250-G-A.
Other names: c.3564-9G>A (NM_001364318.2); c.3537-9G>A (NM_001136029.4); c.3471-9G>A (NM_014662.6, NM_001369903.1); c.3498-9G>A (NM_001363852.2, NM_001364320.2); c.3330-9G>A (NM_001363854.2, NM_001364319.2); c.3264-9G>A (NM_001242897.2); c.3480-9G>A (NM_001369902.1, NM_001369901.1).
Identifiers: ClinVar variation 4717240 (VCV004717240.2).